The following is an entry in ClinVar:

NM_014714.4(IFT140):c.1909del (p.Leu637fs)

Gene: IFT140 (intraflagellar transport 140; minus strand). Cytogenetic location: 16p13.3.
Variant type: Deletion.
Coding change: c.1909del on transcript NM_014714.4 (MANE Select); coding-DNA position 1909, one base deleted (C; older notation c.1909delC).
Protein change: p.Leu637fs; shifts the reading frame from leucine 637.
Molecular consequence: frameshift variant.
Genome position (GRCh38, 1-based): chr16:1,564,155, G deleted on the plus strand (C on the coding strand, the reverse complement: IFT140 is on the minus strand); the first of 2 consecutive G bases (chr16:1,564,155-1,564,156); deleting either gives the same sequence. VCF-style (leftmost placement, unchanged base first): chr16-1564154-AG-A. GRCh37 (hg19) VCF-style: chr16-1614155-AG-A.
Other names: c.1909delC (NM_014714.3); c.1909del (NM_014714.3); short protein forms L637fs.
Identifiers: ClinVar variation 3653176 (VCV003653176.5).

ClinVar aggregate classification (germline): Pathogenic/Likely pathogenic. Review status: criteria provided, multiple submitters, no conflicts (2 of 4 stars). 4 submissions from 4 submitters: Pathogenic (3); Likely pathogenic (1). Last evaluated 2026-07-23.

Conditions:
Polycystic kidney disease 9, susceptibility to. Identifiers: MedGen C6012712, MONDO:0976267, OMIM 621164.
IFT140-related disorder. Also called: IFT140-related condition.
Saldino-Mainzer syndrome (SRTD9). Also called: Renal dysplasia, retinal pigmentary dystrophy, cerebellar ataxia and skeletal dysplasia; short-rib thoracic dysplasia 9 with or without polydactyly; CONORENAL SYNDROME; SHORT-RIB THORACIC DYSPLASIA 9 WITHOUT POLYDACTYLY. Identifiers: Orphanet 140969, MedGen C1849437, MONDO:0009964, OMIM 266920.

Submissions (4):

MVZ Medizinische Genetik Mainz
Classification: Pathogenic for Polycystic kidney disease 9, susceptibility to. Last evaluated: 2026-07-23. Review status: criteria provided, single submitter. Criteria: UK Practice Guidelines For Variant Classification V4 01 2020. Collection method: clinical testing. Allele origin: germline. Inheritance: Autosomal dominant inheritance. Affected: yes. Observed: 1 variant allele.
Comment: ACMG Criteria: PVS1,PS4_MOD,PM2_SUP

GeneDx
Classification: Pathogenic. Last evaluated: 2025-05-18. Review status: criteria provided, single submitter. Criteria: GeneDx Variant Classification Process June 2021. Collection method: clinical testing. Allele origin: germline. Affected: yes.
Comment: Identified in patients with cystic kidney disease in published literature, however, additional clinical information was not provided (PMID: 39136524); Frameshift variant predicted to result in protein truncation or nonsense mediated decay in a gene for which loss of function is a known mechanism of disease; Not observed at significant frequency in large population cohorts (gnomAD); This variant is associated with the following publications: (PMID: 31964843, 39136524)

Labcorp Genetics (formerly Invitae), Labcorp
Classification: Pathogenic for Saldino-Mainzer syndrome. Last evaluated: 2025-04-16. Review status: criteria provided, single submitter. Criteria: Invitae Variant Classification Sherloc (09022015). Collection method: clinical testing. Allele origin: germline.
Comment: This sequence change creates a premature translational stop signal (p.Leu637Serfs*7) in the IFT140 gene. It is expected to result in an absent or disrupted protein product. Loss-of-function variants in IFT140 are known to be pathogenic (PMID: 22503633, 23418020, 24009529, 26216056). This variant is present in population databases (no rsID available, gnomAD 0.0009%). This variant has not been reported in the literature in individuals affected with IFT140-related conditions. ClinVar contains an entry for this variant (Variation ID: 3653176). For these reasons, this variant has been classified as Pathogenic.

PreventionGenetics, part of Exact Sciences
Classification: Likely pathogenic for IFT140-related condition. Last evaluated: 2025-01-03. Review status: criteria provided, single submitter. Criteria: ACMG Guidelines, 2015. Collection method: clinical testing. Allele origin: germline.
Comment: The IFT140 c.1909delC variant is predicted to result in a frameshift and premature protein termination (p.Leu637Serfs*7). This variant has been reported in several individuals who presented with polycystic kidney disease (Clark et al. 2024. PubMed ID: 39136524). This variant is reported in 0.00091% of alleles in individuals of European (Non-Finnish) descent in gnomAD. Frameshift variants in IFT140 are expected to be pathogenic. This variant is interpreted as likely pathogenic.

Literature cited by the submitters: PubMed 22503633 (cited by Labcorp Genetics (formerly Invitae), Labcorp); PubMed 23418020 (cited by Labcorp Genetics (formerly Invitae), Labcorp); PubMed 24009529 (cited by Labcorp Genetics (formerly Invitae), Labcorp); PubMed 26216056 (cited by Labcorp Genetics (formerly Invitae), Labcorp).